The following is an entry in ClinVar:

ClinVar aggregate classification (germline): Uncertain significance. Review status: criteria provided, multiple submitters, no conflicts (2 of 4 stars). 2 submissions from 2 submitters: Uncertain significance (2). Last evaluated 2024-04-25.

Conditions:
Charcot-Marie-Tooth disease axonal type 2Z. Also called: CHARCOT-MARIE-TOOTH DISEASE, AXONAL, AUTOSOMAL DOMINANT, TYPE 2Z; CHARCOT-MARIE-TOOTH NEUROPATHY, TYPE 2Z. Identifiers: Orphanet 466768, MedGen C5569025, MONDO:0014736, OMIM 616688.

Allele frequency attached by ClinVar (database versions not stated): gnomAD exomes below 0.00001; gnomAD 0.00001.
gnomAD v4.1: 3 of 1,614,010 alleles (0.00019%); highest among the groups gnomAD compares: Non-Finnish European, 0.00025%; no homozygotes.

Submissions (2):

Labcorp Genetics (formerly Invitae), Labcorp
Classification: Uncertain significance for Charcot-Marie-Tooth disease axonal type 2Z. Last evaluated: 2024-04-25. Review status: criteria provided, single submitter. Criteria: Invitae Variant Classification Sherloc (09022015). Collection method: clinical testing. Allele origin: germline.
Comment: This sequence change replaces alanine, which is neutral and non-polar, with threonine, which is neutral and polar, at codon 678 of the MORC2 protein (p.Ala678Thr). This variant is not present in population databases (gnomAD no frequency). This variant has not been reported in the literature in individuals affected with MORC2-related conditions. ClinVar contains an entry for this variant (Variation ID: 1804209). Advanced modeling of protein sequence and biophysical properties (such as structural, functional, and spatial information, amino acid conservation, physicochemical variation, residue mobility, and thermodynamic stability) performed at Invitae indicates that this missense variant is not expected to disrupt MORC2 protein function with a negative predictive value of 95%. In summary, the available evidence is currently insufficient to determine the role of this variant in disease. Therefore, it has been classified as a Variant of Uncertain Significance.

GeneDx
Classification: Uncertain significance. Last evaluated: 2022-06-17. Review status: criteria provided, single submitter. Criteria: GeneDx Variant Classification Process June 2021. Collection method: clinical testing. Allele origin: germline. Affected: yes.
Comment: Not observed at significant frequency in large population cohorts (gnomAD); In silico analysis supports that this missense variant does not alter protein structure/function; Has not been previously published as pathogenic or benign to our knowledge

NM_001303256.3(MORC2):c.2032G>A (p.Ala678Thr)

Gene: MORC2 (MORC family CW-type zinc finger 2; minus strand). Cytogenetic location: 22q12.2.
Variant type: single nucleotide variant.
Coding change: c.2032G>A on transcript NM_001303256.3 (MANE Select); coding-DNA position 2032, G replaced by A.
Protein change: p.Ala678Thr; replaces alanine 678 with threonine.
Molecular consequence: missense variant.
Genome position (GRCh38, 1-based): chr22:30,934,942, C>T on the plus strand (G>A on the coding strand, the complement: MORC2 is on the minus strand). VCF-style: chr22-30934942-C-T. GRCh37 (hg19) VCF-style: chr22-31330929-C-T.
Other names: c.2032G>A, p.Ala678Thr (NM_001303257.2); c.1846G>A, p.Ala616Thr (NM_014941.3); short protein forms A616T, A678T.
Identifiers: ClinVar variation 1804209 (VCV001804209.4), dbSNP rs959580850, ClinGen allele CA323271360.